The following is an entry in ClinVar:

ClinVar aggregate classification (germline): Benign/Likely benign. Review status: criteria provided, multiple submitters, no conflicts (2 of 4 stars). 6 submissions from 6 submitters: Benign (1); Likely benign (2). 3 of the submissions do not count toward it. Last evaluated 2025-02-16.

Conditions:
PDGFRA-related disorder. Also called: PDGFRA-related condition.
Hereditary cancer. Identifiers: MedGen C1333600.
Myeloproliferative neoplasm, unclassifiable. Identifiers: Orphanet 86830, MedGen C1333046, MONDO:0019452.

Allele frequency attached by ClinVar (database versions not stated): ExAC 0.05806; 1000 Genomes Project 0.06589; 1000 Genomes Project 30x 0.06590; gnomAD exomes 0.07246; gnomAD 0.08367 and 0.08547; TOPMed 0.08497.
gnomAD v4.1: 116,264 of 1,352,558 alleles (8.6%); highest among the groups gnomAD compares: Middle Eastern, 11%; 5,342 homozygotes.

Submissions (6):

Laboratory of Genetics, Children's Clinical University Hospital Latvia
Classification: Benign. Last evaluated: 2025-02-16. Review status: criteria provided, single submitter. Criteria: ACMG Guidelines, 2015. Collection method: clinical testing. Allele origin: germline. Affected: yes.

Blueprint Genetics
Classification: Likely benign. Last evaluated: 2024-11-26. Review status: criteria provided, single submitter. Criteria: ACMG Guidelines, 2015. Collection method: clinical testing. Allele origin: germline.

Mendelics
Classification: Likely benign for Hereditary cancer. Last evaluated: 2024-03-27. Review status: criteria provided, single submitter. Criteria: ACMG Guidelines, 2015. Collection method: clinical testing. Allele origin: unknown.

PreventionGenetics, part of Exact Sciences
Classification: Benign for PDGFRA-related condition. Last evaluated: 2024-09-25. Review status: no assertion criteria provided. Collection method: clinical testing. Allele origin: germline. Not counted in ClinVar's aggregate classification.
Comment: This variant is classified as benign based on ACMG/AMP sequence variant interpretation guidelines (Richards et al. 2015 PMID: 25741868, with internal and published modifications).

ITMI
No classification provided. Condition: AllHighlyPenetrant. Last evaluated: 2013-09-19. Review status: no classification provided. Collection method: reference population. Allele origin: germline. Not counted in ClinVar's aggregate classification.
Comment: Please see associated publication for description of ethnicities

Dept. of Cytogenetics, ICMR- National Institute of Immunohaematology
Classification: Likely pathogenic for Myeloproliferative neoplasm, unclassifiable. Last evaluated: 2022-08-25. Review status: flagged submission. Criteria: Oncogenicity SOP (ClinGen, CGC, VICC guidelines) 2022. Collection method: clinical testing. Allele origin: somatic. Affected: yes. Observed: 2 variant alleles. Not counted in ClinVar's aggregate classification.
ClinVar note: Reason: Claim with insufficient supporting evidence

Literature cited by the submitters: PubMed 24728327 (cited by ITMI).

NM_006206.6(PDGFRA):c.2323+1120C>T

Genes: PDGFRA (platelet derived growth factor receptor alpha; plus strand), LOC126807054 (BRD4-independent group 4 enhancer GRCh37_chr4:55147260-55148459; plus strand). Cytogenetic location: 4q12.
Variant type: single nucleotide variant.
Coding change: c.2323+1120C>T on transcript NM_006206.6 (MANE Select); 1120 bases into the intron after coding-DNA position 2323, C replaced by T.
Molecular consequence: intron variant. On other transcripts: missense variant (1).
Genome position (GRCh38, 1-based): chr4:54,281,602, C>T. VCF-style: chr4-54281602-C-T. GRCh37 (hg19) VCF-style: chr4-55147769-C-T.
Other names: c.2345C>T, p.Thr782Met (NM_001347827.2); c.2398+1120C>T (NM_001347828.2); c.2323+1120C>T (NM_001347829.2); c.2362+1120C>T (NM_001347830.2); c.2345C>T (NM_001347827.1); short protein forms T782M.
Identifiers: ClinVar variation 133374 (VCV000133374.9), dbSNP rs2291591, ClinGen allele CA156465.